The following is an entry in ClinVar:

NM_138694.4(PKHD1):c.1180G>A (p.Ala394Thr)

Gene: PKHD1 (PKHD1 ciliary IPT domain containing fibrocystin/polyductin; minus strand). Cytogenetic location: 6p12.2.
Variant type: single nucleotide variant.
Coding change: c.1180G>A on transcript NM_138694.4 (MANE Select); coding-DNA position 1180, G replaced by A.
Protein change: p.Ala394Thr; replaces alanine 394 with threonine.
Molecular consequence: missense variant.
Genome position (GRCh38, 1-based): chr6:52,059,981, C>T on the plus strand (G>A on the coding strand, the complement: PKHD1 is on the minus strand). VCF-style: chr6-52059981-C-T. GRCh37 (hg19) VCF-style: chr6-51924779-C-T.
Other names: c.1180G>A, p.Ala394Thr (NM_170724.3); c.1180G>A (NM_138694.3); short protein forms A394T.
Identifiers: ClinVar variation 802229 (VCV000802229.3), dbSNP rs1582024305, ClinGen allele CA364427532.

ClinVar aggregate classification (germline): Conflicting classifications of pathogenicity. Review status: criteria provided, conflicting classifications (1 of 4 stars). 3 submissions from 3 submitters: Pathogenic (1); Uncertain significance (2). Last evaluated 2024-04-03.

Conditions:
Autosomal recessive polycystic kidney disease (ARPKD). Also called: AR polycystic kidney disease. Identifiers: Orphanet 731, Orphanet 8378, MedGen C0085548, MeSH D017044, MONDO:0009889.
Polycystic kidney disease 4 (PKD4). Also called: POLYCYSTIC KIDNEY AND HEPATIC DISEASE 1; POLYCYSTIC KIDNEY DISEASE, INFANTILE, TYPE I; POLYCYSTIC KIDNEY DISEASE 4 WITH OR WITHOUT POLYCYSTIC LIVER DISEASE; Autosomal Recessive Polycystic Kidney Disease – PKHD1; PKD3. Identifiers: MedGen C4540575, MONDO:0033004, OMIM 263200.

Allele frequency attached by ClinVar (database versions not stated): gnomAD exomes below 0.00001.
gnomAD v4.1: 3 of 1,610,866 alleles (0.00019%); highest among the groups gnomAD compares: Non-Finnish European, 0.00025%; no homozygotes.

Submissions (3):

Fulgent Genetics
Classification: Uncertain significance for Polycystic kidney disease 4. Last evaluated: 2024-04-03. Review status: criteria provided, single submitter. Criteria: ACMG Guidelines, 2015. Collection method: clinical testing. Allele origin: germline.

GeneDx
Classification: Uncertain significance. Last evaluated: 2023-07-31. Review status: criteria provided, single submitter. Criteria: GeneDx Variant Classification Process June 2021. Collection method: clinical testing. Allele origin: germline. Affected: yes.
Comment: Not observed at significant frequency in large population cohorts (gnomAD); In silico analysis supports that this missense variant has a deleterious effect on protein structure/function; This variant is associated with the following publications: (PMID: 15805161)

Mendelics
Classification: Pathogenic for Polycystic kidney disease 4. Last evaluated: 2019-05-28. Review status: criteria provided, single submitter. Criteria: Mendelics Assertion Criteria 2017. Collection method: clinical testing. Allele origin: unknown.